The following is an entry in ClinVar:

NM_001083926.2(ASRGL1):c.587G>A (p.Arg196His)

Gene: ASRGL1 (asparaginase and isoaspartyl peptidase 1; plus strand). Cytogenetic location: 11q12.3.
Variant type: single nucleotide variant.
Coding change: c.587G>A on transcript NM_001083926.2 (MANE Select); coding-DNA position 587, G replaced by A.
Protein change: p.Arg196His; replaces arginine 196 with histidine.
Molecular consequence: missense variant.
Genome position (GRCh38, 1-based): chr11:62,389,228, G>A. VCF-style: chr11-62389228-G-A. GRCh37 (hg19) VCF-style: chr11-62156700-G-A.
Other names: c.587G>A, p.Arg196His (NM_025080.4); c.587G>A (NM_001083926.1); short protein forms R196H.
Identifiers: ClinVar variation 1382558 (VCV001382558.8), dbSNP rs144391767, ClinGen allele CA6043244.

ClinVar aggregate classification (germline): Uncertain significance. Review status: criteria provided, multiple submitters, no conflicts (2 of 4 stars). 2 submissions from 2 submitters: Uncertain significance (2). Last evaluated 2025-10-21.

Allele frequency attached by ClinVar (database versions not stated): gnomAD 0.00001; gnomAD exomes 0.00002; TOPMed 0.00002; ExAC 0.00003; ESP Exome Variant Server 0.00008.

Submissions (2):

Ambry Genetics
Classification: Uncertain significance. Last evaluated: 2025-10-21. Review status: criteria provided, single submitter. Criteria: Ambry Variant Classification Scheme 2023. Collection method: clinical testing. Allele origin: germline.

Labcorp Genetics (formerly Invitae), Labcorp
Classification: Uncertain significance. Last evaluated: 2024-11-28. Review status: criteria provided, single submitter. Criteria: Invitae Variant Classification Sherloc (09022015). Collection method: clinical testing. Allele origin: germline.
Comment: This sequence change replaces arginine, which is basic and polar, with histidine, which is basic and polar, at codon 196 of the ASRGL1 protein (p.Arg196His). This variant is present in population databases (rs144391767, gnomAD 0.004%). This variant has not been reported in the literature in individuals affected with ASRGL1-related conditions. ClinVar contains an entry for this variant (Variation ID: 1382558). An algorithm developed to predict the effect of missense changes on protein structure and function (PolyPhen-2) suggests that this variant is likely to be disruptive. In summary, the available evidence is currently insufficient to determine the role of this variant in disease. Therefore, it has been classified as a Variant of Uncertain Significance.